The following is an entry in ClinVar:

ClinVar aggregate classification (germline): Uncertain significance. Review status: criteria provided, multiple submitters, no conflicts (2 of 4 stars). 3 submissions from 3 submitters: Uncertain significance (3). Last evaluated 2025-03-17.

Conditions:
Junctional epidermolysis bullosa with pyloric atresia. Also called: Epidermolysis bullosa, junctional, with pyloric atresia and aplasia cutis congenita; Epidermolysis bullosa junctionalis with pyloric atresia; EPIDERMOLYSIS BULLOSA, JUNCTIONAL 5B, WITH PYLORIC ATRESIA; Junctional Epidermolysis Bullosa- Pyloric Atresia Syndrome; APLASIA CUTIS CONGENITA WITH GASTROINTESTINAL ATRESIA; CARMI SYNDROME. Identifiers: Orphanet 79403, MedGen C5676875, MONDO:0009183, OMIM 226730.
Epidermolysis bullosa, junctional 5A, intermediate. Also called: EPIDERMOLYSIS BULLOSA, JUNCTIONAL 5A, GENERALIZED INTERMEDIATE; EPIDERMOLYSIS BULLOSA, JUNCTIONAL 5A, NON-HERLITZ TYPE. Identifiers: MedGen C5676956, MONDO:0030768, OMIM 619816.

Allele frequency attached by ClinVar (database versions not stated): TOPMed 0.00004; ExAC 0.00003; gnomAD 0.00005.
gnomAD v4.1: 53 of 1,612,718 alleles (0.0033%); highest among the groups gnomAD compares: African/African-American, 0.021%; no homozygotes.

Submissions (3):

GeneDx
Classification: Uncertain significance. Last evaluated: 2025-03-17. Review status: criteria provided, single submitter. Criteria: GeneDx Variant Classification Process June 2021. Collection method: clinical testing. Allele origin: germline. Affected: yes.
Comment: Observed de novo in a patient with a developmental disorder, but detailed clinical information was not provided (PMID: 33057194); In silico analysis indicates that this missense variant does not alter protein structure/function; This variant is associated with the following publications: (PMID: 33057194, 35982159)

Fulgent Genetics
Classification: Uncertain significance for Junctional epidermolysis bullosa with pyloric atresia; Epidermolysis bullosa, junctional 5A, intermediate. Last evaluated: 2024-03-09. Review status: criteria provided, single submitter. Criteria: ACMG Guidelines, 2015. Collection method: clinical testing. Allele origin: germline.

Revvity Omics, Revvity
Classification: Uncertain significance. Last evaluated: 2020-03-28. Review status: criteria provided, single submitter. Criteria: ACMG Guidelines, 2015. Collection method: clinical testing. Allele origin: germline.

NM_000213.5(ITGB4):c.5183G>A (p.Arg1728His)

Genes: GALK1 (galactokinase 1; minus strand), ITGB4 (integrin subunit beta 4; plus strand). Cytogenetic location: 17q25.1.
Variant type: single nucleotide variant.
Coding change: c.5183G>A on transcript NM_000213.5 (MANE Select); coding-DNA position 5183, G replaced by A.
Protein change: p.Arg1728His; replaces arginine 1728 with histidine.
Molecular consequence: missense variant. On other transcripts: intron variant (1).
Genome position (GRCh38, 1-based): chr17:75,757,072, G>A. VCF-style: chr17-75757072-G-A. GRCh37 (hg19) VCF-style: chr17-73753153-G-A.
Other names: c.5132G>A, p.Arg1711His (NM_001005619.2); c.4973G>A, p.Arg1658His (NM_001005731.3, NM_001321123.2); c.4823G>A, p.Arg1608His (NM_001438834.1); c.*22+962C>T (NM_001381985.1); c.5183G>A (NM_000213.3); short protein forms R1658H, R1711H, R1728H, R1608H.
Identifiers: ClinVar variation 2432925 (VCV002432925.4), dbSNP rs767247375, ClinGen allele CA8770485.